The following is an entry in ClinVar:

NM_001025603.2(RFX5):c.844G>C (p.Glu282Gln)

Gene: RFX5 (regulatory factor X5; minus strand). Cytogenetic location: 1q21.3.
Variant type: single nucleotide variant.
Coding change: c.844G>C on transcript NM_001025603.2 (MANE Select); coding-DNA position 844, G replaced by C.
Protein change: p.Glu282Gln; replaces glutamic acid 282 with glutamine.
Molecular consequence: missense variant.
Genome position (GRCh38, 1-based): chr1:151,343,356, C>G on the plus strand (G>C on the coding strand, the complement: RFX5 is on the minus strand). VCF-style: chr1-151343356-C-G. GRCh37 (hg19) VCF-style: chr1-151315832-C-G.
Other names: c.844G>C, p.Glu282Gln (NM_000449.4, NM_001379412.1, NM_001379413.1 and 5 more transcripts); c.724G>C, p.Glu242Gln (NM_001379419.1, NM_001379420.1); short protein forms E242Q, E282Q.
Identifiers: ClinVar variation 2989016 (VCV002989016.3), dbSNP rs2529024118, ClinGen allele CA341934803.

ClinVar aggregate classification (germline): Uncertain significance (1 of 4 stars; one submission).

Conditions:
MHC class II deficiency. Also called: Bare lymphocyte syndrome 2; BLS, TYPE II. Identifiers: Orphanet 572, MedGen C5447452, MONDO:0008855.

Allele frequency attached by ClinVar (database versions not stated): gnomAD exomes below 0.00001.
gnomAD v4.1: 1 of 1,613,372 alleles (0.000062%); highest among the groups gnomAD compares: Admixed American, 0.0017%; no homozygotes.

Submission:

Labcorp Genetics (formerly Invitae), Labcorp
Classification: Uncertain significance for MHC class II deficiency. Last evaluated: 2024-01-22. Review status: criteria provided, single submitter. Criteria: Invitae Variant Classification Sherloc (09022015). Collection method: clinical testing. Allele origin: germline.
Comment: This sequence change replaces glutamic acid, which is acidic and polar, with glutamine, which is neutral and polar, at codon 282 of the RFX5 protein (p.Glu282Gln). This variant is not present in population databases (gnomAD no frequency). This variant has not been reported in the literature in individuals affected with RFX5-related conditions. An algorithm developed to predict the effect of missense changes on protein structure and function (PolyPhen-2) suggests that this variant is likely to be tolerated. In summary, the available evidence is currently insufficient to determine the role of this variant in disease. Therefore, it has been classified as a Variant of Uncertain Significance.